The following is an entry in ClinVar:

ClinVar aggregate classification (germline): Uncertain significance (1 of 4 stars; one submission).

gnomAD v4.1: 21 of 1,613,612 alleles (0.0013%); highest among the groups gnomAD compares: Non-Finnish European, 0.0016%; no homozygotes.

Submission:

Labcorp Genetics (formerly Invitae), Labcorp
Classification: Uncertain significance. Last evaluated: 2026-01-24. Review status: criteria provided, single submitter. Criteria: Invitae Variant Classification Sherloc (09022015). Collection method: clinical testing. Allele origin: germline.
Comment: This sequence change replaces isoleucine, which is neutral and non-polar, with valine, which is neutral and non-polar, at codon 37 of the SEC61A1 protein (p.Ile37Val). This variant is present in population databases (rs372248461, gnomAD 0.004%). This variant has not been reported in the literature in individuals affected with SEC61A1-related conditions. ClinVar contains an entry for this variant (Variation ID: 3621963). Invitae Evidence Modeling of protein sequence and biophysical properties (such as structural, functional, and spatial information, amino acid conservation, physicochemical variation, residue mobility, and thermodynamic stability) indicates that this missense variant is not expected to disrupt SEC61A1 protein function with a negative predictive value of 80%. In summary, the available evidence is currently insufficient to determine the role of this variant in disease. Therefore, it has been classified as a Variant of Uncertain Significance.

NM_013336.4(SEC61A1):c.109A>G (p.Ile37Val)

Gene: SEC61A1 (SEC61 translocon subunit alpha 1; plus strand). Cytogenetic location: 3q21.3.
Variant type: single nucleotide variant.
Coding change: c.109A>G on transcript NM_013336.4 (MANE Select); coding-DNA position 109, A replaced by G.
Protein change: p.Ile37Val; replaces isoleucine 37 with valine.
Molecular consequence: missense variant. On other transcripts: 5 prime UTR variant (1).
Genome position (GRCh38, 1-based): chr3:128,055,549, A>G. VCF-style: chr3-128055549-A-G. GRCh37 (hg19) VCF-style: chr3-127774392-A-G.
Other names: c.127A>G, p.Ile43Val (NM_001400328.1); c.-51A>G (NM_001400329.1); short protein forms I37V, I43V.
Identifiers: ClinVar variation 3621963 (VCV003621963.2).